The following is an entry in ClinVar:

ClinVar aggregate classification (germline): Uncertain significance (1 of 4 stars; one submission).

Conditions:
ANO5-related disorder. Also called: ANO5-related condition; ANO5-related disorders. Identifiers: MedGen CN239193.

Allele frequency attached by ClinVar (database versions not stated): gnomAD exomes below 0.00001; TOPMed below 0.00001; ExAC 0.00001; gnomAD 0.00001.
gnomAD v4.1: 5 of 1,613,954 alleles (0.00031%); highest among the groups gnomAD compares: Non-Finnish European, 0.00034%; no homozygotes.

Submission:

PreventionGenetics, part of Exact Sciences
Classification: Uncertain significance for ANO5-related condition. Last evaluated: 2025-04-24. Review status: criteria provided, single submitter. Criteria: ACMG Guidelines, 2015. Collection method: clinical testing. Allele origin: germline.
Comment: The ANO5 c.1037T>C variant is predicted to result in the amino acid substitution p.Ile346Thr. To our knowledge, this variant has not been reported in the literature. This variant is reported in 0.00088% of alleles in individuals of European (non-Finnish) descent in gnomAD. At this time, the clinical significance of this variant is uncertain due to the absence of conclusive functional and genetic evidence.

NM_213599.3(ANO5):c.1037T>C (p.Ile346Thr)

Gene: ANO5 (anoctamin 5; plus strand). Cytogenetic location: 11p14.3.
Variant type: single nucleotide variant.
Coding change: c.1037T>C on transcript NM_213599.3 (MANE Select); coding-DNA position 1037, T replaced by C.
Protein change: p.Ile346Thr; replaces isoleucine 346 with threonine.
Molecular consequence: missense variant.
Genome position (GRCh38, 1-based): chr11:22,250,764, T>C. VCF-style: chr11-22250764-T-C. GRCh37 (hg19) VCF-style: chr11-22272310-T-C.
Other names: c.1034T>C, p.Ile345Thr (NM_001142649.2); c.995T>C, p.Ile332Thr (NM_001410963.1); c.992T>C, p.Ile331Thr (NM_001410964.1); short protein forms I331T, I332T, I345T, I346T.
Identifiers: ClinVar variation 2635105 (VCV002635105.2), dbSNP rs780757875, ClinGen allele CA5923118.